The following is an entry in ClinVar:

NM_138370.3(PKDCC):c.781C>T (p.Arg261Cys)

Gene: PKDCC (protein kinase domain containing, cytoplasmic; plus strand). Cytogenetic location: 2p21.
Variant type: single nucleotide variant.
Coding change: c.781C>T on transcript NM_138370.3 (MANE Select); coding-DNA position 781, C replaced by T.
Protein change: p.Arg261Cys; replaces arginine 261 with cysteine.
Molecular consequence: missense variant.
Genome position (GRCh38, 1-based): chr2:42,054,054, C>T. VCF-style: chr2-42054054-C-T. GRCh37 (hg19) VCF-style: chr2-42281194-C-T.
Other names: short protein forms R261C.
Identifiers: ClinVar variation 2153427 (VCV002153427.1), dbSNP rs138808294, ClinGen allele CA1628020.

ClinVar aggregate classification (germline): Uncertain significance (1 of 4 stars; one submission).

Allele frequency attached by ClinVar (database versions not stated): TOPMed 0.00010; ESP Exome Variant Server 0.00023.

Submission:

Labcorp Genetics (formerly Invitae), Labcorp
Classification: Uncertain significance. Last evaluated: 2022-08-22. Review status: criteria provided, single submitter. Criteria: Invitae Variant Classification Sherloc (09022015). Collection method: clinical testing. Allele origin: germline.
Comment: This sequence change replaces arginine, which is basic and polar, with cysteine, which is neutral and slightly polar, at codon 261 of the PKDCC protein (p.Arg261Cys). This variant is present in population databases (rs138808294, gnomAD 0.04%). This variant has not been reported in the literature in individuals affected with PKDCC-related conditions. Algorithms developed to predict the effect of missense changes on protein structure and function (SIFT, PolyPhen-2, Align-GVGD) all suggest that this variant is likely to be disruptive. In summary, the available evidence is currently insufficient to determine the role of this variant in disease. Therefore, it has been classified as a Variant of Uncertain Significance.